The following is an entry in ClinVar:

ClinVar aggregate classification (germline): Uncertain significance (1 of 4 stars; one submission).

Submission:

Labcorp Genetics (formerly Invitae), Labcorp
Classification: Uncertain significance. Last evaluated: 2025-10-23. Review status: criteria provided, single submitter. Criteria: Invitae Variant Classification Sherloc (09022015). Collection method: clinical testing. Allele origin: germline.
Comment: This sequence change replaces arginine, which is basic and polar, with glutamine, which is neutral and polar, at codon 121 of the POLR3B protein (p.Arg121Gln). This variant is not present in population databases (gnomAD no frequency). This variant has not been reported in the literature in individuals affected with POLR3B-related conditions. Invitae Evidence Modeling of protein sequence and biophysical properties (such as structural, functional, and spatial information, amino acid conservation, physicochemical variation, residue mobility, and thermodynamic stability) has been performed for this missense variant. However, the output from this modeling did not meet the statistical confidence thresholds required to predict the impact of this variant on POLR3B protein function. In summary, the available evidence is currently insufficient to determine the role of this variant in disease. Therefore, it has been classified as a Variant of Uncertain Significance.

NM_018082.6(POLR3B):c.362G>A (p.Arg121Gln)

Gene: POLR3B (RNA polymerase III subunit B; plus strand). Cytogenetic location: 12q23.3.
Variant type: single nucleotide variant.
Coding change: c.362G>A on transcript NM_018082.6 (MANE Select); coding-DNA position 362, G replaced by A.
Protein change: p.Arg121Gln; replaces arginine 121 with glutamine.
Molecular consequence: missense variant.
Genome position (GRCh38, 1-based): chr12:106,369,641, G>A. VCF-style: chr12-106369641-G-A. GRCh37 (hg19) VCF-style: chr12-106763419-G-A.
Other names: c.188G>A, p.Arg63Gln (NM_001160708.2); short protein forms R121Q, R63Q.
Identifiers: ClinVar variation 4704325 (VCV004704325.1).
Genomic context (GRCh38, chr12:106,369,641, plus strand): 5'-AGTGCCGTTTGAGAGACATGACATACTCTGCCCCTATTACAGTGGATATTGAATATACCC[G>A]AGGCAGCCAGAGGATCATCCGCAATGCCTTACCTATCGGCAGGTGAGAAATGAAATCCGT-3'
Protein context (NP_060552.4, residues 111-131): APITVDIEYT[Arg121Gln]GSQRIIRNAL